The following is an entry in ClinVar:

NM_001563.4(IMPG1):c.2218C>T (p.Leu740Phe)

Gene: IMPG1 (interphotoreceptor matrix proteoglycan 1; minus strand). Cytogenetic location: 6q14.1.
Variant type: single nucleotide variant.
Coding change: c.2218C>T on transcript NM_001563.4 (MANE Select); coding-DNA position 2218, C replaced by T.
Protein change: p.Leu740Phe; replaces leucine 740 with phenylalanine.
Molecular consequence: missense variant.
Genome position (GRCh38, 1-based): chr6:75,930,978, G>A on the plus strand (C>T on the coding strand, the complement: IMPG1 is on the minus strand). VCF-style: chr6-75930978-G-A. GRCh37 (hg19) VCF-style: chr6-76640695-G-A.
Other names: c.1984C>T, p.Leu662Phe (NM_001282368.2); short protein forms L740F, L662F.
Identifiers: ClinVar variation 849470 (VCV000849470.10), dbSNP rs150486366, ClinGen allele CA3897899.
Genomic context (GRCh38, chr6:75,930,978, plus strand): 5'-TTCTTGAGTCTGTGACGTTAGCATGCTTGACCCACCTGCATGGAGCTCCCTTTCCCTGGA[G>A]GACCTCGCATTCCTTTGTGCCAGGGCCACAGAGGCCTGGTTCCAGACCGTCCAGGCTCCC-3'
Protein context (NP_001554.2, residues 730-750): CGPGTKECEV[Leu740Phe]QGKGAPCRLP

ClinVar aggregate classification (germline): Conflicting classifications of pathogenicity. Review status: criteria provided, conflicting classifications (1 of 4 stars). 3 submissions from 3 submitters: Uncertain significance (2); Likely benign (1). Last evaluated 2026-07-07.

Conditions:
IMPG1-related disorder. Also called: IMPG1-related condition.

Allele frequency attached by ClinVar (database versions not stated): ExAC 0.00040; gnomAD exomes 0.00042 and 0.00122; TOPMed 0.00046; 1000 Genomes Project 0.00060; gnomAD 0.00060 and 0.00064; 1000 Genomes Project 30x 0.00062; ESP Exome Variant Server 0.00062.
gnomAD v4.1: 1,832 of 1,614,212 alleles (0.11%); highest among the groups gnomAD compares: Non-Finnish European, 0.15%; no homozygotes.

Submissions (3):

PreventionGenetics, part of Exact Sciences
Classification: Uncertain significance for IMPG1-related condition. Last evaluated: 2026-07-07. Review status: criteria provided, single submitter. Criteria: ACMG Guidelines, 2015. Collection method: clinical testing. Allele origin: germline.
Comment: The IMPG1 c.2218C>T variant is predicted to result in the amino acid substitution p.Leu740Phe. This variant was previously reported in the heterozygous state in an individual with retinal disease (Yuan et al. 2025. PubMed ID: 39858590). However, this variant is reported in 0.090% of alleles in individuals of European (Non-Finnish) descent in gnomAD, which is likely too frequent to be a primary cause of disease. Although we suspect that this variant may be benign, at this time, the clinical significance of this variant is uncertain due to the absence of conclusive functional and genetic evidence.

Labcorp Genetics (formerly Invitae), Labcorp
Classification: Uncertain significance. Last evaluated: 2026-01-25. Review status: criteria provided, single submitter. Criteria: Invitae Variant Classification Sherloc (09022015). Collection method: clinical testing. Allele origin: germline.
Comment: This sequence change replaces leucine, which is neutral and non-polar, with phenylalanine, which is neutral and non-polar, at codon 740 of the IMPG1 protein (p.Leu740Phe). This variant is present in population databases (rs150486366, gnomAD 0.09%), and has an allele count higher than expected for a pathogenic variant. This missense change has been observed in individual(s) with retinitis pigmentosa (PMID: 39858590). ClinVar contains an entry for this variant (Variation ID: 849470). An algorithm developed to predict the effect of missense changes on protein structure and function (PolyPhen-2) suggests that this variant is likely to be tolerated. In summary, the available evidence is currently insufficient to determine the role of this variant in disease. Therefore, it has been classified as a Variant of Uncertain Significance.

Blueprint Genetics
Classification: Likely benign. Last evaluated: 2024-11-07. Review status: criteria provided, single submitter. Criteria: ACMG Guidelines, 2015. Collection method: clinical testing. Allele origin: germline.

Literature cited by the submitters: PubMed 39858590 (cited by Labcorp Genetics (formerly Invitae), Labcorp).